The following is an entry in ClinVar:

ClinVar aggregate classification (germline): Uncertain significance (1 of 4 stars; one submission).

Allele frequency attached by ClinVar (database versions not stated): gnomAD exomes below 0.00001.
gnomAD v4.1: 1 of 1,614,118 alleles (0.000062%); highest among the groups gnomAD compares: Non-Finnish European, 0.000085%; no homozygotes.

Submission:

Labcorp Genetics (formerly Invitae), Labcorp
Classification: Uncertain significance. Last evaluated: 2018-01-22. Review status: criteria provided, single submitter. Criteria: Invitae Variant Classification Sherloc (09022015). Collection method: clinical testing. Allele origin: germline.
Comment: In summary, the available evidence is currently insufficient to determine the role of this variant in disease. Therefore, it has been classified as a Variant of Uncertain Significance. Algorithms developed to predict the effect of missense changes on protein structure and function do not agree on the potential impact of this missense change (SIFT: "Deleterious"; PolyPhen-2: "Possibly Damaging"; Align-GVGD: "Class C0"). This variant has not been reported in the literature in individuals with NSD1-related disease. This variant is not present in population databases (ExAC no frequency). This sequence change replaces leucine with serine at codon 1373 of the NSD1 protein (p.Leu1373Ser). The leucine residue is moderately conserved and there is a large physicochemical difference between leucine and serine.

NM_022455.5(NSD1):c.4118T>C (p.Leu1373Ser)

Gene: NSD1 (nuclear receptor binding SET domain protein 1; plus strand). Cytogenetic location: 5q35.3.
Variant type: single nucleotide variant.
Coding change: c.4118T>C on transcript NM_022455.5 (MANE Select); coding-DNA position 4118, T replaced by C.
Protein change: p.Leu1373Ser; replaces leucine 1373 with serine.
Molecular consequence: missense variant.
Genome position (GRCh38, 1-based): chr5:177,238,433, T>C. VCF-style: chr5-177238433-T-C. GRCh37 (hg19) VCF-style: chr5-176665434-T-C.
Other names: c.3245T>C, p.Leu1082Ser (NM_001409309.1, NM_172349.5, NM_001365684.2 and 3 more transcripts); c.4118T>C, p.Leu1373Ser (NM_001409301.1, NM_001409302.1, NM_001409303.1); c.3698T>C, p.Leu1233Ser (NM_001409304.1); c.3365T>C, p.Leu1122Ser (NM_001409305.1); short protein forms L1373S, L1104S, L1082S, L1122S, L1233S.
Identifiers: ClinVar variation 524684 (VCV000524684.9), dbSNP rs1554195885, ClinGen allele CA362341215.